The following is an entry in ClinVar:

ClinVar aggregate classification (germline): Benign/Likely benign. Review status: criteria provided, multiple submitters, no conflicts (2 of 4 stars). 20 submissions from 19 submitters: Benign (7); Likely benign (10). 3 of the submissions do not count toward it. Last evaluated 2026-09-01.

Conditions:
Ehlers-Danlos syndrome, classic type, 1 (EDSCL1). Also called: EHLERS-DANLOS SYNDROME, GRAVIS TYPE; EHLERS-DANLOS SYNDROME, SEVERE CLASSIC TYPE; EDS I; Ehlers-Danlos syndrome, type 1; Ehlers-Danlos Syndrome, Classic Type, COL5A1-Related. Identifiers: MedGen C0268335, MONDO:0019567, OMIM 130000.
Fibromuscular dysplasia, multifocal. Identifiers: MedGen C5543412, MONDO:0859151, OMIM 619329.
Connective tissue disorder. Also called: Connective tissue disease. Identifiers: MedGen C0009782, MONDO:0003900.
Ehlers-Danlos syndrome (EDS). Identifiers: Orphanet 98249, MedGen C0013720, MONDO:0020066.
Ehlers-Danlos syndrome, classic type (cEDS). Identifiers: Orphanet 287, MedGen C4225429, MONDO:0007522.
Familial thoracic aortic aneurysm and aortic dissection (TAAD). Also called: Thoracic aortic aneurysms and dissections. Identifiers: Orphanet 91387, MedGen C4707243, MONDO:0019625.

Allele frequency attached by ClinVar (database versions not stated): 1000 Genomes Project 0.00180; ExAC 0.00185; gnomAD exomes 0.00188 and 0.00279; ESP Exome Variant Server 0.00231; gnomAD 0.00243 and 0.00253; TOPMed 0.00244; 1000 Genomes Project 30x 0.00250.
gnomAD v4.1: 4,453 of 1,613,400 alleles (0.28%); highest among the groups gnomAD compares: Non-Finnish European, 0.32%; 9 homozygotes.

Submissions (20):

CeGaT Center for Human Genetics Tuebingen
Classification: Likely benign. Last evaluated: 2026-09-01. Review status: criteria provided, single submitter. Criteria: CeGaT Center For Human Genetics Tuebingen Variant Classification Criteria Version 2. Collection method: clinical testing. Allele origin: germline. Affected: yes. Observed: 8 variant alleles.
Comment: COL5A1: BP4, BP7, BS1

Molecular Diagnostic Laboratory for Inherited Cardiovascular Disease, Montreal Heart Institute
Classification: Likely benign. Last evaluated: 2026-03-27. Review status: criteria provided, single submitter. Criteria: ACMG Guidelines, 2015. Collection method: clinical testing. Allele origin: germline. Affected: no.
Comment: BS1

Labcorp Genetics (formerly Invitae), Labcorp
Classification: Benign for Ehlers-Danlos syndrome, classic type, 1. Last evaluated: 2026-02-04. Review status: criteria provided, single submitter. Criteria: Invitae Variant Classification Sherloc (09022015). Collection method: clinical testing. Allele origin: germline.

ARUP Laboratories, Molecular Genetics and Genomics, ARUP Laboratories
Classification: Benign. Last evaluated: 2025-06-12. Review status: criteria provided, single submitter. Criteria: ARUP Molecular Germline Variant Investigation Process 2024. Collection method: clinical testing. Allele origin: germline.

Mayo Clinic Laboratories, Mayo Clinic
Classification: Likely benign. Last evaluated: 2024-12-30. Review status: criteria provided, single submitter. Criteria: ACMG Guidelines, 2015. Collection method: clinical testing. Allele origin: germline. Observed: 33 variant alleles.
Comment: BS1, BP4, BP7

Blueprint Genetics
Classification: Likely benign. Last evaluated: 2024-11-08. Review status: criteria provided, single submitter. Criteria: ACMG Guidelines, 2015. Collection method: clinical testing. Allele origin: germline.

Women's Health and Genetics/Laboratory Corporation of America, LabCorp
Classification: Benign. Last evaluated: 2023-07-30. Review status: criteria provided, single submitter. Criteria: LabCorp Variant Classification Summary - May 2015. Collection method: clinical testing. Allele origin: germline.

Ambry Genetics
Classification: Likely benign for Familial thoracic aortic aneurysm and aortic dissection. Last evaluated: 2023-06-21. Review status: criteria provided, single submitter. Criteria: Ambry Variant Classification Scheme 2023. Collection method: clinical testing. Allele origin: germline.

Genome Diagnostics Laboratory, The Hospital for Sick Children
Classification: Likely benign for Ehlers-Danlos syndrome. Last evaluated: 2022-03-16. Review status: criteria provided, single submitter. Criteria: ACMG Guidelines, 2015. Collection method: clinical testing. Allele origin: germline.

Genome-Nilou Lab
Classification: Benign for Ehlers-Danlos syndrome, classic type, 1. Last evaluated: 2022-03-15. Review status: criteria provided, single submitter. Criteria: ACMG Guidelines, 2015. Collection method: clinical testing. Allele origin: germline. Affected: no.

Genome-Nilou Lab
Classification: Benign for Fibromuscular dysplasia, multifocal. Last evaluated: 2022-03-15. Review status: criteria provided, single submitter. Criteria: ACMG Guidelines, 2015. Collection method: clinical testing. Allele origin: germline. Affected: no.

Fulgent Genetics
Classification: Likely benign for Ehlers-Danlos syndrome, classic type, 1; Fibromuscular dysplasia, multifocal. Last evaluated: 2021-07-02. Review status: criteria provided, single submitter. Criteria: ACMG Guidelines, 2015. Collection method: clinical testing. Allele origin: unknown.

Center for Human Genetics, Inc
Classification: Likely benign for Connective tissue disorder. Last evaluated: 2018-06-01. Review status: criteria provided, single submitter. Criteria: ACMG Guidelines, 2015. Collection method: clinical testing. Allele origin: germline. Affected: yes.

Illumina Laboratory Services, Illumina
Classification: Benign for Ehlers-Danlos syndrome, classic type, 1. Last evaluated: 2018-01-13. Review status: criteria provided, single submitter. Criteria: ICSL Variant Classification Criteria 13 December 2019. Collection method: clinical testing. Allele origin: germline.
Comment: This variant was observed in the ICSL laboratory as part of a predisposition screen in an ostensibly healthy population. It had not been previously curated by ICSL or reported in the Human Gene Mutation Database (HGMD: prior to June 1st, 2018), and was therefore a candidate for classification through an automated scoring system. Utilizing variant allele frequency, disease prevalence and penetrance estimates, and inheritance mode, an automated score was calculated to assess if this variant is too frequent to cause the disease. Based on the score and internal cut-off values, a variant classified as benign is not then subjected to further curation. The score for this variant resulted in a classification of benign for this disease.

Eurofins Ntd Llc (ga)
Classification: Likely benign. Last evaluated: 2017-08-01. Review status: criteria provided, single submitter. Criteria: EGL Classification Definitions 2015. Collection method: clinical testing. Allele origin: germline. Observed: 1 variant allele, 1 heterozygote.

GeneDx
Classification: Benign. Last evaluated: 2013-07-23. Review status: criteria provided, single submitter. Criteria: GeneDx Variant Classification (06012015). Collection method: clinical testing. Allele origin: germline. Affected: yes.
Comment: This variant is considered likely benign or benign based on one or more of the following criteria: it is a conservative change, it occurs at a poorly conserved position in the protein, it is predicted to be benign by multiple in silico algorithms, and/or has population frequency not consistent with disease.

PreventionGenetics, part of Exact Sciences
Classification: Likely benign. Review status: criteria provided, single submitter. Criteria: ACMG Guidelines, 2015. Collection method: clinical testing. Allele origin: germline.

Clinical Genetics DNA and cytogenetics Diagnostics Lab, Erasmus MC, Erasmus Medical Center
Classification: Likely benign. Review status: no assertion criteria provided. Collection method: clinical testing. Allele origin: germline. Affected: yes. Study: VKGL Data-share Consensus. Not counted in ClinVar's aggregate classification.

Genome Diagnostics Laboratory, Amsterdam University Medical Center
Classification: Likely benign. Review status: no assertion criteria provided. Collection method: clinical testing. Allele origin: germline. Affected: yes. Study: VKGL Data-share Consensus. Not counted in ClinVar's aggregate classification.

Genome Diagnostics Laboratory, University Medical Center Utrecht
Classification: Likely benign. Review status: no assertion criteria provided. Collection method: clinical testing. Allele origin: germline. Affected: yes. Study: VKGL Data-share Consensus. Not counted in ClinVar's aggregate classification.

NM_000093.5(COL5A1):c.4410C>T (p.Pro1470=)

Gene: COL5A1 (collagen type V alpha 1 chain; plus strand). Cytogenetic location: 9q34.3.
Variant type: single nucleotide variant.
Coding change: c.4410C>T on transcript NM_000093.5 (MANE Select); coding-DNA position 4410, C replaced by T.
Protein change: p.Pro1470=; no amino-acid change (proline 1470 retained).
Molecular consequence: synonymous variant.
Genome position (GRCh38, 1-based): chr9:134,819,017, C>T. VCF-style: chr9-134819017-C-T. GRCh37 (hg19) VCF-style: chr9-137710863-C-T.
Other names: p.P1470P:CCC>CCT; p.Pro1470=; c.4410C>T, p.Pro1470= (NM_001278074.1).
Identifiers: ClinVar variation 136898 (VCV000136898.75), dbSNP rs41310953, ClinGen allele CA290287.
Genomic context (GRCh38, chr9:134,819,017, plus strand): 5'-GCCCCAAGGATGAGGACTCTGATCCCCCTGCCTCCTCCCACAGGGTCCCCCAGGACTTCC[C>T]GGCCTCAAAGGAGATTCTGGTCCCAAAGGTGAAAAGGTAAGAGGGGCCTCCCTGCCCCAG-3'
Protein context (NP_000084.3, residues 1460-1480): PPGPMGPPGL[Pro1470=]GLKGDSGPKG